The following is an entry in ClinVar:

ClinVar aggregate classification (germline): Likely pathogenic. Review status: criteria provided, multiple submitters, no conflicts (2 of 4 stars). 8 submissions from 8 submitters: Likely pathogenic (7). 1 of the submissions does not count toward it. Last evaluated 2026-09-13.

Conditions:
TTN-related disorder. Also called: TTN-related condition; TTN-related disease; TTN-related disorders.
Dilated cardiomyopathy 1G (CMD1G). Identifiers: Orphanet 154, MedGen C1858763, MONDO:0011400, OMIM 604145.
Autosomal recessive limb-girdle muscular dystrophy type 2J (LGMDR10). Also called: Limb-girdle muscular dystrophy, type 2J; MUSCULAR DYSTROPHY, LIMB-GIRDLE, AUTOSOMAL RECESSIVE 10. Identifiers: Orphanet 140922, MedGen C1837342, MONDO:0012127, OMIM 608807.
Cardiovascular phenotype. Identifiers: MedGen CN230736.

Allele frequency attached by ClinVar (database versions not stated): gnomAD exomes below 0.00001; gnomAD 0.00001; 1000 Genomes Project 0.00020; 1000 Genomes Project 30x 0.00031.
gnomAD v4.1: 4 of 1,612,508 alleles (0.00025%); highest among the groups gnomAD compares: East Asian, 0.0022%; no homozygotes.

Submissions (8):

GeneDx
Classification: Likely pathogenic. Last evaluated: 2026-09-13. Review status: criteria provided, single submitter. Criteria: GeneDx Variant Classification Process June 2021. Collection method: clinical testing. Allele origin: germline.
Comment: Nonsense variant predicted to result in protein truncation or nonsense mediated decay in a gene for which loss of function is a known mechanism of disease; Located in the A-band, a region of TTN for which truncating variants are significantly associated with autosomal dominant cardiomyopathy and also with autosomal recessive skeletal myopathies (PMID: 22335739, 32778822); Not observed at significant frequency in large population cohorts (gnomAD); This variant is associated with the following publications: (PMID: 31737537, 30471092, 36264615, 34088380, 37342443, 39844436, 22335739, 32778822)

Victorian Clinical Genetics Services, Murdoch Childrens Research Institute
Classification: Likely pathogenic for Dilated cardiomyopathy 1G. Last evaluated: 2024-10-14. Review status: criteria provided, single submitter. Criteria: ACMG Guidelines, 2015. Collection method: clinical testing. Allele origin: germline. Affected: yes.
Comment: This variant is classified as Likely pathogenic. Evidence in support of pathogenic classification: Variant is predicted to cause nonsense-mediated decay (NMD) and loss of protein (premature termination codon is located at least 54 nucleotides upstream of the final exon-exon junction); Variant is present in gnomAD <0.01 (v4: 4 heterozygote(s), 0 homozygote(s)); This variant has strong previous evidence of pathogenicity in unrelated individuals. This variant has been classified as likely pathogenic by multiple clinical laboratories in ClinVar. It has been reported in the literature in individuals with left ventricular non-compaction and dilated cardiomyopathy; however, some of these individuals also harbour variants in other genes associated with cardiac disorders (PMIDs: 37342443, 30471092, 31737537, 34088380); Other NMD-predicted variants comparable to the one identified in this case have strong previous evidence for pathogenicity (ClinVar). Additional information: This variant is heterozygous; This gene is associated with both recessive and dominant disease (OMIM); No published segregation evidence has been identified for this variant; No published functional evidence has been identified for this variant; Variant is located in the annotated A-band and the exon has a PSI score of 100% (PMID: 25589632). - Loss of function is a known mechanism of disease in this gene. In addition, dominant-negative is also a suggested mechanism (PMID: 25589632); The condition associated with this gene has incomplete penetrance. Variants in this gene that result in a premature termination codon (PTC) are known to have reduced penetrance in DCM (PMID: 25589632); Inheritance information for this variant is not currently available in this individual.

Labcorp Genetics (formerly Invitae), Labcorp
Classification: Likely pathogenic for Dilated cardiomyopathy 1G; Autosomal recessive limb-girdle muscular dystrophy type 2J. Last evaluated: 2024-08-23. Review status: criteria provided, single submitter. Criteria: Invitae Variant Classification Sherloc (09022015). Collection method: clinical testing. Allele origin: germline.
Comment: This sequence change creates a premature translational stop signal (p.Arg16391*) in the TTN gene. While this is not anticipated to result in nonsense mediated decay, it is expected to create a truncated TTN protein. This variant is not present in population databases (gnomAD no frequency). This premature translational stop signal has been observed in individual(s) with left ventricular non-compaction or dilated cardiomyopathy (PMID: 30471092, 31737537, 34088380, 37342443). This variant is also known as p.Arg14750X. ClinVar contains an entry for this variant (Variation ID: 636978). This variant is located in the A band of TTN (PMID: 25589632). Truncating variants in this region are significantly overrepresented in patients affected with dilated cardiomyopathy (PMID: 25589632). Truncating variants in this region have also been reported in individuals affected with autosomal recessive centronuclear myopathy (PMID: 23975875). In summary, the currently available evidence indicates that the variant is pathogenic, but additional data are needed to prove that conclusively. Therefore, this variant has been classified as Likely Pathogenic.

Revvity Omics, Revvity
Classification: Likely pathogenic. Last evaluated: 2024-03-01. Review status: criteria provided, single submitter. Criteria: ACMG Guidelines, 2015. Collection method: clinical testing. Allele origin: germline.

Clinical Genetics Laboratory, Skane University Hospital Lund
Classification: Likely pathogenic. Last evaluated: 2022-07-13. Review status: criteria provided, single submitter. Criteria: ACMG Guidelines, 2015. Collection method: clinical testing. Allele origin: germline. Affected: yes.

Ambry Genetics
Classification: Likely pathogenic for Cardiovascular phenotype. Last evaluated: 2021-10-25. Review status: criteria provided, single submitter. Criteria: Ambry Variant Classification Scheme 2023. Collection method: clinical testing. Allele origin: germline.
Comment: The p.R7326* variant (also known as c.21976C>T), located in coding exon 89 of the TTN gene, results from a C to T substitution at nucleotide position 21976. This changes the amino acid from an arginine to a stop codon within coding exon 89. This exon is located in the A-band region of the N2-B isoform of the titin protein and is constitutively expressed in TTN transcripts (percent spliced in or PSI 100%). This variant has been reported in one individual from a left ventricular non-compaction (LVNC); however, clinical details were limited (Richard P et al. Clin Genet, 2019 03;95:356-367). This variant is considered to be rare based on population cohorts in the Genome Aggregation Database (gnomAD). This alteration is expected to result in loss of function by premature protein truncation or nonsense-mediated mRNA decay. While truncating variants in TTN are present in 1-3% of the general population, truncating variants in the A-band are the most common cause of dilated cardiomyopathy (DCM) (Herman DS et al. N. Engl. J. Med., 2012 Feb;366:619-28; Roberts AM et al. Sci Transl Med, 2015 Jan;7:270ra6). TTN truncating variants encoded in constitutive exons (PSI >90%) have been found to be significantly associated with DCM regardless of their position in titin (Schafer S et al. Nat. Genet., 2017 01;49:46-53). As such, this alteration is classified as likely pathogenic.

Blueprint Genetics
Classification: Likely pathogenic for TTN-related disorders. Last evaluated: 2019-10-22. Review status: criteria provided, single submitter. Criteria: ACMG Guidelines, 2015. Collection method: clinical testing. Allele origin: germline. Affected: yes. Observed: 3 variant alleles.

Cardiogenetics and Myogenetics Molecular and Cellular Functional Unit, Aphp Sorbonne University-Hopital Pitie Salpetriere
Classification: Likely pathogenic for Dilated cardiomyopathy 1G. Last evaluated: 2024-01-06. Review status: no assertion criteria provided. Collection method: clinical testing. Allele origin: germline. Affected: yes. Not counted in ClinVar's aggregate classification.

Literature cited by the submitters: PubMed 30471092 (cited by 3 submitters); PubMed 25589632 (cited by Victorian Clinical Genetics Services, Murdoch Childrens Research Institute and Labcorp Genetics (formerly Invitae), Labcorp); PubMed 37342443 (cited by Victorian Clinical Genetics Services, Murdoch Childrens Research Institute and Labcorp Genetics (formerly Invitae), Labcorp); PubMed 34088380 (cited by Victorian Clinical Genetics Services, Murdoch Childrens Research Institute and Labcorp Genetics (formerly Invitae), Labcorp); PubMed 31737537 (cited by Victorian Clinical Genetics Services, Murdoch Childrens Research Institute and Labcorp Genetics (formerly Invitae), Labcorp); PubMed 23975875 (cited by Labcorp Genetics (formerly Invitae), Labcorp).

NM_001267550.2(TTN):c.49171C>T (p.Arg16391Ter)

Genes: TTN (titin; minus strand), TTN-AS1 (TTN antisense RNA 1; plus strand), LOC126806426 (BRD4-independent group 4 enhancer GRCh37_chr2:179478848-179480047; plus strand). Cytogenetic location: 2q31.2.
Variant type: single nucleotide variant.
Coding change: c.49171C>T on transcript NM_001267550.2 (MANE Select); coding-DNA position 49171, C replaced by T.
Protein change: p.Arg16391Ter; replaces arginine 16391 with a stop codon.
Molecular consequence: nonsense. On other transcripts: non-coding transcript variant (1).
Genome position (GRCh38, 1-based): chr2:178,614,226, G>A on the plus strand (C>T on the coding strand, the complement: TTN is on the minus strand). VCF-style: chr2-178614226-G-A. GRCh37 (hg19) VCF-style: chr2-179478953-G-A.
Other names: c.49171C>T (LRG_391t1); c.44248C>T, p.Arg14750Ter (NM_001256850.1); c.21976C>T, p.Arg7326Ter (NM_003319.4); c.41467C>T, p.Arg13823Ter (NM_133378.4); c.22351C>T, p.Arg7451Ter (NM_133432.3); c.22552C>T, p.Arg7518Ter (NM_133437.4); short protein forms R16391*, R13823*, R7451*, R7326*, R14750*, R7518*.
Identifiers: ClinVar variation 636978 (VCV000636978.19), dbSNP rs570046043, ClinGen allele CA60987368.